The following is an entry in ClinVar:

NM_014244.5(ADAMTS2):c.471C>G (p.Tyr157Ter)

Gene: ADAMTS2 (ADAM metallopeptidase with thrombospondin type 1 motif 2; minus strand). Cytogenetic location: 5q35.3.
Variant type: single nucleotide variant.
Coding change: c.471C>G on transcript NM_014244.5 (MANE Select); coding-DNA position 471, C replaced by G.
Protein change: p.Tyr157Ter; replaces tyrosine 157 with a stop codon.
Molecular consequence: nonsense.
Genome position (GRCh38, 1-based): chr5:179,343,830, G>C on the plus strand (C>G on the coding strand, the complement: ADAMTS2 is on the minus strand). VCF-style: chr5-179343830-G-C. GRCh37 (hg19) VCF-style: chr5-178770831-G-C.
Other names: c.471C>G, p.Tyr157Ter (NM_021599.4); short protein forms Y157*.
Identifiers: ClinVar variation 2118709 (VCV002118709.5), dbSNP rs752433735, ClinGen allele CA362622460.

ClinVar aggregate classification (germline): Pathogenic. Review status: criteria provided, multiple submitters, no conflicts (2 of 4 stars). 2 submissions from 2 submitters: Pathogenic (2). Last evaluated 2024-03-09.

Conditions:
Ehlers-Danlos syndrome, dermatosparaxis type. Also called: EDS VIIC; Dermatosparaxis; Ehlers-Danlos syndrome, type VII, autosomal recessive. Identifiers: Orphanet 1901, MedGen C2700425, MONDO:0009161, OMIM 225410.

Submissions (2):

Myriad Genetics, Inc.
Classification: Pathogenic for Ehlers-Danlos syndrome, dermatosparaxis type. Last evaluated: 2024-03-09. Review status: criteria provided, single submitter. Criteria: Myriad Autosomal Dominant, Autosomal Recessive and X-Linked Classification Criteria (2023). Collection method: clinical testing. Allele origin: unknown.
Comment: NM_014244.4(ADAMTS2):c.471C>G(Y157*) is expected to be pathogenic in the context of Ehlers-Danlos syndrome, ADAMTS2-related. This variant is predicted to lead to an abnormal or absent protein product due to the creation of a premature termination codon in ADAMTS2, a gene where loss-of-function variants are known to be pathogenic. Please note: this variant was assessed in the context of healthy population screening.

Labcorp Genetics (formerly Invitae), Labcorp
Classification: Pathogenic for Ehlers-Danlos syndrome, dermatosparaxis type. Last evaluated: 2022-03-28. Review status: criteria provided, single submitter. Criteria: Invitae Variant Classification Sherloc (09022015). Collection method: clinical testing. Allele origin: germline.
Comment: For these reasons, this variant has been classified as Pathogenic. This variant has not been reported in the literature in individuals affected with ADAMTS2-related conditions. This variant is not present in population databases (gnomAD no frequency). This sequence change creates a premature translational stop signal (p.Tyr157*) in the ADAMTS2 gene. It is expected to result in an absent or disrupted protein product. Loss-of-function variants in ADAMTS2 are known to be pathogenic (PMID: 10417273).

Literature cited by the submitters: PubMed 10417273 (cited by Labcorp Genetics (formerly Invitae), Labcorp).